The following is an entry in ClinVar:

ClinVar aggregate classification (germline): Conflicting classifications of pathogenicity. Review status: criteria provided, conflicting classifications (1 of 4 stars). 2 submissions from 2 submitters: Uncertain significance (1); Benign (1). Last evaluated 2025-04-10.

Conditions:
Colorectal cancer, susceptibility to, 12 (CRCS12). Also called: COLORECTAL CANCER, SUSCEPTIBILITY TO, ON CHROMOSOME 12q24. Identifiers: Orphanet 220460, MedGen C3554460, MONDO:0014038, OMIM 615083.
Hereditary cancer-predisposing syndrome. Also called: Hereditary Cancer Syndrome; Hereditary neoplastic syndrome; Neoplastic Syndromes, Hereditary; Tumor predisposition. Identifiers: Orphanet 140162, MedGen C0027672, MeSH D009386, MONDO:0015356.

Submissions (2):

Ambry Genetics
Classification: Uncertain significance for Hereditary cancer-predisposing syndrome. Last evaluated: 2025-04-10. Review status: criteria provided, single submitter. Criteria: Ambry Variant Classification Scheme 2023. Collection method: clinical testing. Allele origin: germline.
Comment: The c.933G>A variant (also known as p.E311E), located in coding exon 10 of the POLE gene, results from a G to A substitution at nucleotide position 933. This nucleotide substitution does not change the amino acid at codon 311. This nucleotide position is well conserved in available vertebrate species. In silico splice site analysis predicts that this alteration may result in the creation or strengthening of a novel splice acceptor site. Based on the available evidence, the clinical significance of this variant remains unclear.

Myriad Genetics, Inc.
Classification: Benign for Colorectal cancer, susceptibility to, 12. Last evaluated: 2025-02-07. Review status: criteria provided, single submitter. Criteria: Myriad Autosomal Dominant, Autosomal Recessive and X-Linked Classification Criteria (2023). Collection method: clinical testing. Allele origin: unknown.
Comment: This variant is considered benign. This variant is a silent/synonymous amino acid change and it is not expected to impact splicing.

NM_006231.4(POLE):c.933G>A (p.Glu311=)

Gene: POLE (DNA polymerase epsilon, catalytic subunit; minus strand). Cytogenetic location: 12q24.33.
Variant type: single nucleotide variant.
Coding change: c.933G>A on transcript NM_006231.4 (MANE Select); coding-DNA position 933, G replaced by A.
Protein change: p.Glu311=; no amino-acid change (glutamic acid 311 retained).
Molecular consequence: synonymous variant.
Genome position (GRCh38, 1-based): chr12:132,676,181, C>T on the plus strand (G>A on the coding strand, the complement: POLE is on the minus strand). VCF-style: chr12-132676181-C-T. GRCh37 (hg19) VCF-style: chr12-133252767-C-T.
Other names: c.933G>A (NM_006231.2).
Identifiers: ClinVar variation 3904177 (VCV003904177.2).